The following is an entry in ClinVar:

ClinVar aggregate classification (germline): Uncertain significance (1 of 4 stars; one submission).

gnomAD v4.1: 1 of 1,521,306 alleles (0.000066%); highest among the groups gnomAD compares: East Asian, 0.0023%; no homozygotes.

Submission:

Labcorp Genetics (formerly Invitae), Labcorp
Classification: Uncertain significance. Last evaluated: 2025-10-20. Review status: criteria provided, single submitter. Criteria: Invitae Variant Classification Sherloc (09022015). Collection method: clinical testing. Allele origin: germline.
Comment: This sequence change replaces glutamic acid, which is acidic and polar, with glycine, which is neutral and non-polar, at codon 52 of the POMP protein (p.Glu52Gly). This variant is not present in population databases (gnomAD no frequency). This variant has not been reported in the literature in individuals affected with POMP-related conditions. An algorithm developed to predict the effect of missense changes on protein structure and function (PolyPhen-2) suggests that this variant is likely to be disruptive. In summary, the available evidence is currently insufficient to determine the role of this variant in disease. Therefore, it has been classified as a Variant of Uncertain Significance.

NM_015932.6(POMP):c.155A>G (p.Glu52Gly)

Gene: POMP (proteasome maturation protein; plus strand). Cytogenetic location: 13q12.3.
Variant type: single nucleotide variant.
Coding change: c.155A>G on transcript NM_015932.6 (MANE Select); coding-DNA position 155, A replaced by G.
Protein change: p.Glu52Gly; replaces glutamic acid 52 with glycine.
Molecular consequence: missense variant.
Genome position (GRCh38, 1-based): chr13:28,664,562, A>G. VCF-style: chr13-28664562-A-G. GRCh37 (hg19) VCF-style: chr13-29238699-A-G.
Other names: short protein forms E52G.
Identifiers: ClinVar variation 4763630 (VCV004763630.1).